The following is an entry in ClinVar:

NM_001364905.1(LRBA):c.5754+15T>C

Gene: LRBA (LPS responsive beige-like anchor protein; minus strand). Cytogenetic location: 4q31.3.
Variant type: single nucleotide variant.
Coding change: c.5754+15T>C on transcript NM_001364905.1 (MANE Select); 15 bases into the intron after coding-DNA position 5754, T replaced by C.
Molecular consequence: intron variant.
Genome position (GRCh38, 1-based): chr4:150,735,243, A>G on the plus strand (T>C on the coding strand, the complement: LRBA is on the minus strand). VCF-style: chr4-150735243-A-G. GRCh37 (hg19) VCF-style: chr4-151656395-A-G.
Other names: c.5754+15T>C (NM_001367550.1, NM_006726.5, NM_001199282.3 and 2 more transcripts).
Identifiers: ClinVar variation 1033135 (VCV001033135.10), dbSNP rs112952572, ClinGen allele CA3102374.

ClinVar aggregate classification (germline): Conflicting classifications of pathogenicity. Review status: criteria provided, conflicting classifications (1 of 4 stars). 3 submissions from 3 submitters: Uncertain significance (1); Benign (1); Likely benign (1). Last evaluated 2026-01-18.

Conditions:
Combined immunodeficiency due to LRBA deficiency. Also called: Common variable immunodeficiency 8, with autoimmunity. Identifiers: Orphanet 445018, MedGen C3553512, MONDO:0013863, OMIM 614700.

Allele frequency attached by ClinVar (database versions not stated): ESP Exome Variant Server 0.00100; gnomAD 0.00118 and 0.00123; TOPMed 0.00121; 1000 Genomes Project 0.00240; 1000 Genomes Project 30x 0.00281.
gnomAD v4.1: 344 of 1,579,144 alleles (0.022%); highest among the groups gnomAD compares: African/African-American, 0.41%; 5 homozygotes.

Submissions (3):

Labcorp Genetics (formerly Invitae), Labcorp
Classification: Benign for Combined immunodeficiency due to LRBA deficiency. Last evaluated: 2026-01-18. Review status: criteria provided, single submitter. Criteria: Invitae Variant Classification Sherloc (09022015). Collection method: clinical testing. Allele origin: germline.

Blueprint Genetics
Classification: Likely benign. Last evaluated: 2024-11-06. Review status: criteria provided, single submitter. Criteria: ACMG Guidelines, 2015. Collection method: clinical testing. Allele origin: germline.

Baylor Genetics
Classification: Uncertain significance for Combined immunodeficiency due to LRBA deficiency. Last evaluated: 2018-09-14. Review status: criteria provided, single submitter. Criteria: ACMG Guidelines, 2015. Collection method: clinical testing. Allele origin: paternal. Affected: yes.
Comment: This variant was determined to be of uncertain significance according to ACMG Guidelines, 2015 [PMID:25741868].